The following is an entry in ClinVar:

ClinVar aggregate classification (germline): Likely pathogenic (1 of 4 stars; one submission).

Conditions:
Familial cancer of breast. Also called: hereditary breast carcinoma; BREAST CANCER, FAMILIAL; Hereditary breast cancer. Identifiers: Orphanet 227535, MedGen C0346153, MONDO:0016419, OMIM 114480. Disease mechanism: loss of function.

Submission:

Myriad Genetics, Inc.
Classification: Likely pathogenic for Familial cancer of breast. Last evaluated: 2025-08-04. Review status: criteria provided, single submitter. Criteria: Myriad Autosomal Dominant, Autosomal Recessive and X-Linked Classification Criteria (2023). Collection method: clinical testing. Allele origin: unknown.
Comment: This variant is considered likely pathogenic. mRNA analysis has demonstrated abnormal mRNA splicing occurs [Myriad internal data].

NM_000051.4(ATM):c.3284G>T (p.Arg1095Ile)

Gene: ATM (ATM serine/threonine kinase; plus strand). Cytogenetic location: 11q22.3.
Variant type: single nucleotide variant.
Coding change: c.3284G>T on transcript NM_000051.4 (MANE Select); coding-DNA position 3284, G replaced by T.
Protein change: p.Arg1095Ile; replaces arginine 1095 with isoleucine.
Molecular consequence: missense variant.
Genome position (GRCh38, 1-based): chr11:108,272,852, G>T. VCF-style: chr11-108272852-G-T. GRCh37 (hg19) VCF-style: chr11-108143579-G-T.
Other names: c.3284G>T, p.Arg1095Ile (NM_001351834.2); short protein forms R1095I.
Identifiers: ClinVar variation 4294153 (VCV004294153.1).